The following is an entry in ClinVar:

NM_001127895.2(CHST8):c.229C>T (p.Arg77Trp)

Gene: CHST8 (carbohydrate sulfotransferase 8; plus strand). Cytogenetic location: 19q13.11.
Variant type: single nucleotide variant.
Coding change: c.229C>T on transcript NM_001127895.2 (MANE Select); coding-DNA position 229, C replaced by T.
Protein change: p.Arg77Trp; replaces arginine 77 with tryptophan.
Molecular consequence: missense variant.
Genome position (GRCh38, 1-based): chr19:33,772,017, C>T. VCF-style: chr19-33772017-C-T. GRCh37 (hg19) VCF-style: chr19-34262922-C-T.
Other names: c.229C>T, p.Arg77Trp (NM_001127896.2, NM_022467.3); short protein forms R77W.
Identifiers: ClinVar variation 183645 (VCV000183645.38), dbSNP rs149660944, ClinGen allele CA186116.
Genomic context (GRCh38, chr19:33,772,017, plus strand): 5'-GACCTCCCACCAGGCGGCTCCCAGGATGGTGACTTGAAGGAACCCACAGAGAGGGTCACT[C>T]GGGACTTATCCAGTGGGGCCCCGAGGGGCCGCAACCTGCCAGCGCCTGACCAGCCTCAAC-3'
Protein context (NP_001121367.1, residues 67-87): DLKEPTERVT[Arg77Trp]DLSSGAPRGR

ClinVar aggregate classification (germline): Conflicting classifications of pathogenicity. Review status: criteria provided, conflicting classifications (1 of 4 stars). 6 submissions from 6 submitters: Uncertain significance (2); Likely benign (2). 2 of the submissions do not count toward it. Last evaluated 2025-05-07.

Conditions:
CHST8-related disorder. Also called: CHST8-related condition.
Peeling skin syndrome type A (PSS3). Also called: Peeling skin syndrome 3. Identifiers: Orphanet 263543, Orphanet 263548, MedGen C4015729, MONDO:0014555, OMIM 616265.

Allele frequency attached by ClinVar (database versions not stated): 1000 Genomes Project 30x 0.00172; TOPMed 0.00363; ESP Exome Variant Server 0.00500; 1000 Genomes Project 0.00140.
gnomAD v4.1: 9,173 of 1,609,794 alleles (0.57%); highest among the groups gnomAD compares: Non-Finnish European, 0.67%; 33 homozygotes.

Submissions (6):

Mayo Clinic Laboratories, Mayo Clinic
Classification: Uncertain significance. Last evaluated: 2025-05-07. Review status: criteria provided, single submitter. Criteria: ACMG Guidelines, 2015. Collection method: clinical testing. Allele origin: germline. Observed: 3 variant alleles.
Comment: BS2

CeGaT Center for Human Genetics Tuebingen
Classification: Likely benign. Last evaluated: 2022-12-01. Review status: criteria provided, single submitter. Criteria: CeGaT Center For Human Genetics Tuebingen Variant Classification Criteria Version 2. Collection method: clinical testing. Allele origin: germline. Affected: yes. Observed: 1 variant allele.
Comment: CHST8: BP4, BS2

Labcorp Genetics (formerly Invitae), Labcorp
Classification: Likely benign. Last evaluated: 2019-12-31. Review status: criteria provided, single submitter. Criteria: Invitae Variant Classification Sherloc (09022015). Collection method: clinical testing. Allele origin: germline.

Mendelics
Classification: Uncertain significance for Peeling skin syndrome type A. Last evaluated: 2019-05-28. Review status: criteria provided, single submitter. Criteria: Mendelics Assertion Criteria 2017. Collection method: clinical testing. Allele origin: unknown.

PreventionGenetics, part of Exact Sciences
Classification: Likely benign for CHST8-related condition. Last evaluated: 2021-05-28. Review status: no assertion criteria provided. Collection method: clinical testing. Allele origin: germline. Not counted in ClinVar's aggregate classification.
Comment: This variant is classified as likely benign based on ACMG/AMP sequence variant interpretation guidelines (Richards et al. 2015 PMID: 25741868, with internal and published modifications).

OMIM
Classification: Uncertain significance for RECLASSIFIED - VARIANT OF UNKNOWN SIGNIFICANCE. Last evaluated: 2012-04-01. Review status: no assertion criteria provided. Collection method: literature only. Allele origin: germline. Not counted in ClinVar's aggregate classification.

Literature cited by the submitters: PubMed 22289416 (cited by Mayo Clinic Laboratories, Mayo Clinic and OMIM); PubMed 28204496 (cited by Mayo Clinic Laboratories, Mayo Clinic and OMIM); Hamosh, A. Personal Communication. 2024. Baltimore, Md. (cited by OMIM).